The following is an entry in ClinVar:

NM_015915.5(ATL1):c.35-3C>T

Gene: ATL1 (atlastin GTPase 1; plus strand). Cytogenetic location: 14q22.1.
Variant type: single nucleotide variant.
Coding change: c.35-3C>T on transcript NM_015915.5 (MANE Select); 3 bases into the intron before coding-DNA position 35, C replaced by T.
Molecular consequence: intron variant.
Genome position (GRCh38, 1-based): chr14:50,587,828, C>T. VCF-style: chr14-50587828-C-T. GRCh37 (hg19) VCF-style: chr14-51054546-C-T.
Other names: c.35-3C>T (NM_001127713.1, NM_181598.4).
Identifiers: ClinVar variation 1015186 (VCV001015186.8), dbSNP rs1595597911, ClinGen allele CA2136253171.

ClinVar aggregate classification (germline): Uncertain significance (1 of 4 stars; one submission).

Conditions:
Hereditary spastic paraplegia 3A (SPG3A). Also called: Spastic paraplegia 3A, autosomal dominant; SPASTIC PARAPLEGIA 3, AUTOSOMAL DOMINANT; FAMILIAL SPASTIC PARAPLEGIA, AUTOSOMAL DOMINANT, 1; SPG3; STRUMPELL DISEASE; Spastic Paraplegia 3A. Identifiers: Orphanet 100984, MedGen C2931355, MONDO:0008437, OMIM 182600.

Allele frequency attached by ClinVar (database versions not stated): gnomAD exomes 0.00001.
gnomAD v4.1: 5 of 1,614,170 alleles (0.00031%); highest among the groups gnomAD compares: East Asian, 0.0045%; no homozygotes.

Submission:

Labcorp Genetics (formerly Invitae), Labcorp
Classification: Uncertain significance for Hereditary spastic paraplegia 3A. Last evaluated: 2025-08-24. Review status: criteria provided, single submitter. Criteria: Invitae Variant Classification Sherloc (09022015). Collection method: clinical testing. Allele origin: germline.
Comment: This sequence change falls in intron 1 of the ATL1 gene. It does not directly change the encoded amino acid sequence of the ATL1 protein. It affects a nucleotide within the consensus splice site. This variant is not present in population databases (gnomAD no frequency). This variant has been observed in individual(s) with hereditary spastic paraplegia (PMID: 24969372). ClinVar contains an entry for this variant (Variation ID: 1015186). Variants that disrupt the consensus splice site are a relatively common cause of aberrant splicing (PMID: 17576681, 9536098). Algorithms developed to predict the effect of sequence changes on RNA splicing suggest that this variant is not likely to affect RNA splicing. In summary, the available evidence is currently insufficient to determine the role of this variant in disease. Therefore, it has been classified as a Variant of Uncertain Significance.

Literature cited by the submitters: PubMed 24969372; PubMed 17576681; PubMed 9536098.